The following is an entry in ClinVar:

ClinVar aggregate classification (germline): Uncertain significance (1 of 4 stars; one submission).

gnomAD v4.1: 11 of 1,614,178 alleles (0.00068%); highest among the groups gnomAD compares: Non-Finnish European, 0.00093%; no homozygotes.

Submission:

Labcorp Genetics (formerly Invitae), Labcorp
Classification: Uncertain significance. Last evaluated: 2024-08-16. Review status: criteria provided, single submitter. Criteria: Invitae Variant Classification Sherloc (09022015). Collection method: clinical testing. Allele origin: germline.
Comment: This sequence change replaces asparagine, which is neutral and polar, with histidine, which is basic and polar, at codon 1231 of the C5 protein (p.Asn1231His). This variant is present in population databases (no rsID available, gnomAD 0.0009%). This variant has not been reported in the literature in individuals affected with C5-related conditions. An algorithm developed to predict the effect of missense changes on protein structure and function (PolyPhen-2) suggests that this variant¬†is likely to be tolerated. In summary, the available evidence is currently insufficient to determine the role of this variant in disease. Therefore, it has been classified as a Variant of Uncertain Significance.

NM_001735.3(C5):c.3691A>C (p.Asn1231His)

Gene: C5 (complement C5; minus strand). Cytogenetic location: 9q33.2.
Variant type: single nucleotide variant.
Coding change: c.3691A>C on transcript NM_001735.3 (MANE Select); coding-DNA position 3691, A replaced by C.
Protein change: p.Asn1231His; replaces asparagine 1231 with histidine.
Molecular consequence: missense variant.
Genome position (GRCh38, 1-based): chr9:120,976,873, T>G on the plus strand (A>C on the coding strand, the complement: C5 is on the minus strand). VCF-style: chr9-120976873-T-G. GRCh37 (hg19) VCF-style: chr9-123739151-T-G.
Other names: c.3709A>C, p.Asn1237His (NM_001317163.2); short protein forms N1231H, N1237H.
Identifiers: ClinVar variation 3696329 (VCV003696329.1).